The following is an entry in ClinVar:

ClinVar aggregate classification (germline): Uncertain significance. Review status: criteria provided, multiple submitters, no conflicts (2 of 4 stars). 4 submissions from 4 submitters: Uncertain significance (4). Last evaluated 2025-10-07.

Conditions:
Brugada syndrome 5 (BRGDA5). Identifiers: Orphanet 130, Orphanet 871, MedGen C2748541, MONDO:0013015, OMIM 612838.

Allele frequency attached by ClinVar (database versions not stated): TOPMed below 0.00001; gnomAD 0.00001; ExAC 0.00002.
gnomAD v4.1: 7 of 1,613,750 alleles (0.00043%); highest among the groups gnomAD compares: Non-Finnish European, 0.00017%; no homozygotes.

Submissions (4):

GeneDx
Classification: Uncertain significance. Last evaluated: 2025-10-07. Review status: criteria provided, single submitter. Criteria: GeneDx Variant Classification Process June 2021. Collection method: clinical testing. Allele origin: germline. Affected: yes.
Comment: Not observed at significant frequency in large population cohorts (gnomAD); In silico analysis suggests that this missense variant does not alter protein structure/function; Has not been previously published as pathogenic or benign to our knowledge

Labcorp Genetics (formerly Invitae), Labcorp
Classification: Uncertain significance for Brugada syndrome 5. Last evaluated: 2025-07-14. Review status: criteria provided, single submitter. Criteria: Invitae Variant Classification Sherloc (09022015). Collection method: clinical testing. Allele origin: germline.
Comment: This sequence change replaces arginine, which is basic and polar, with cysteine, which is neutral and slightly polar, at codon 72 of the SCN1B protein (p.Arg72Cys). This variant is present in population databases (rs746782800, gnomAD 0.02%). This variant has not been reported in the literature in individuals affected with SCN1B-related conditions. ClinVar contains an entry for this variant (Variation ID: 190858). An algorithm developed to predict the effect of missense changes on protein structure and function (PolyPhen-2) suggests that this variant is likely to be disruptive. In summary, the available evidence is currently insufficient to determine the role of this variant in disease. Therefore, it has been classified as a Variant of Uncertain Significance.

Athena Diagnostics
Classification: Uncertain significance. Last evaluated: 2024-11-04. Review status: criteria provided, single submitter. Criteria: Athena Diagnostics Criteria. Collection method: clinical testing. Allele origin: unknown.
Comment: Available data are insufficient to determine the clinical significance of the variant at this time. The frequency of this variant in the general population is higher than would generally be expected for pathogenic variants in this gene. Polyphen and MutationTaster yielded discordant predictions regarding whether this amino acid change is damaging to the protein.

Blueprint Genetics
Classification: Uncertain significance. Last evaluated: 2024-01-18. Review status: criteria provided, single submitter. Criteria: ACMG Guidelines, 2015. Collection method: clinical testing. Allele origin: germline.

NM_001037.5(SCN1B):c.214C>T (p.Arg72Cys)

Gene: SCN1B (sodium voltage-gated channel beta subunit 1; plus strand). Cytogenetic location: 19q13.11.
Variant type: single nucleotide variant.
Coding change: c.214C>T on transcript NM_001037.5 (MANE Select); coding-DNA position 214, C replaced by T.
Protein change: p.Arg72Cys; replaces arginine 72 with cysteine.
Molecular consequence: missense variant.
Genome position (GRCh38, 1-based): chr19:35,033,505, C>T. VCF-style: chr19-35033505-C-T. GRCh37 (hg19) VCF-style: chr19-35524409-C-T.
Other names: p.R72C:CGC>TGC; c.214C>T, p.Arg72Cys (NM_199037.5); c.115C>T, p.Arg39Cys (NM_001321605.2); short protein forms R72C, R39C.
Identifiers: ClinVar variation 190858 (VCV000190858.14), dbSNP rs746782800, ClinGen allele CA302151.
Genomic context (GRCh38, chr19:35,033,505, plus strand): 5'-GTAAGGGAAGAGAGGCCCAGGCAGTGACACCTTCCCCTCCCTGGCTACCCCTAGATCCTG[C>T]GCTATGAGAATGAGGTGTTGCAGCTGGAGGAGGATGAGCGCTTCGAGGGCCGCGTGGTGT-3'
Protein context (NP_001028.1, residues 62-82): KGTEEFVKIL[Arg72Cys]YENEVLQLEE